The following is an entry in ClinVar:

ClinVar aggregate classification (germline): Likely benign (1 of 4 stars; one submission).

Submission:

GeneDx
Classification: Likely benign. Last evaluated: 2021-09-19. Review status: criteria provided, single submitter. Criteria: GeneDx Variant Classification Process June 2021. Collection method: clinical testing. Allele origin: germline. Affected: yes.
Comment: See Variant Classification Assertion Criteria.

NM_001025616.3(ARHGAP24):c.-20-201_-20-198dup

Gene: ARHGAP24 (Rho GTPase activating protein 24; plus strand). Cytogenetic location: 4q21.23.
Variant type: Duplication.
Coding change: c.-20-201_-20-198dup on transcript NM_001025616.3 (MANE Select); 201 bases into the intron before 20 bases upstream of the start codon through 198 bases into the intron before 20 bases upstream of the start codon, 4 bases duplicated (TTCT; older notation c.-20-201_-20-198dupTTCT).
Molecular consequence: intron variant.
Genome position (GRCh38, 1-based): chr4:85,570,321-85,570,324, TTCT duplicated; duplicating any 4 consecutive bases within chr4:85,570,318-85,570,324 gives the same sequence; the c. name uses the placement nearest the transcript's 3' end. VCF-style (leftmost placement, unchanged base first): chr4-85570317-C-CTCTT. GRCh37 (hg19) VCF-style: chr4-86491470-C-CTCTT.
Identifiers: ClinVar variation 3343911 (VCV003343911.1).